The following is an entry in ClinVar:

NM_001353921.2(ARHGEF9):c.968G>T (p.Ser323Ile)

Gene: ARHGEF9 (Cdc42 guanine nucleotide exchange factor 9; minus strand). Cytogenetic location: Xq11.1.
Variant type: single nucleotide variant.
Coding change: c.968G>T on transcript NM_001353921.2 (MANE Select); coding-DNA position 968, G replaced by T.
Protein change: p.Ser323Ile; replaces serine 323 with isoleucine.
Molecular consequence: missense variant. On other transcripts: intron variant (5).
Genome position (GRCh38, 1-based): chrX:63,665,995, C>A on the plus strand (G>T on the coding strand, the complement: ARHGEF9 is on the minus strand). VCF-style: chrX-63665995-C-A. GRCh37 (hg19) VCF-style: chrX-62885875-C-A.
Other names: c.788G>T, p.Ser263Ile (NM_001173479.2); c.641G>T, p.Ser214Ile (NM_001173480.2, NM_001369042.1); c.884G>T, p.Ser295Ile (NM_001330495.2, NM_001369033.1, NM_001369034.1 and 6 more transcripts); c.986G>T, p.Ser329Ile (NM_001353923.1); c.767G>T, p.Ser256Ile (NM_001353924.2, NM_001353926.2, NM_001369039.1 and 1 more transcripts); c.947G>T, p.Ser316Ile (NM_001369030.1, NM_001369031.1, NM_001369032.1 and 1 more transcripts); c.945+8043G>T (NM_001353922.2); c.861+8043G>T (NM_001369041.1, NM_001353927.2); and 2 more; short protein forms S316I, S214I, S329I, S263I, S295I, S323I, S256I.
Identifiers: ClinVar variation 590007 (VCV000590007.14), dbSNP rs1569451962, ClinGen allele CA413405729.

ClinVar aggregate classification (germline): Uncertain significance. Review status: criteria provided, multiple submitters, no conflicts (2 of 4 stars). 2 submissions from 2 submitters: Uncertain significance (2). Last evaluated 2018-10-04.

Conditions:
Inborn genetic diseases. Identifiers: MedGen C0950123, MeSH D030342.
Developmental and epileptic encephalopathy, 8 (DEE8). Also called: HYPEREKPLEXIA AND EPILEPSY. Identifiers: Orphanet 163985, Orphanet 2076, MedGen C1845102, MONDO:0010375, OMIM 300607.

Submissions (2):

Labcorp Genetics (formerly Invitae), Labcorp
Classification: Uncertain significance for Developmental and epileptic encephalopathy, 8. Last evaluated: 2018-10-04. Review status: criteria provided, single submitter. Criteria: Invitae Variant Classification Sherloc (09022015). Collection method: clinical testing. Allele origin: germline.
Comment: This variant has not been reported in the literature in individuals with ARHGEF9-related disease. Algorithms developed to predict the effect of missense changes on protein structure and function (SIFT, PolyPhen-2, Align-GVGD) all suggest that this variant is likely to be disruptive, but these predictions have not been confirmed by published functional studies and their clinical significance is uncertain. In summary, the available evidence is currently insufficient to determine the role of this variant in disease. Therefore, it has been classified as a Variant of Uncertain Significance. This sequence change replaces serine with isoleucine at codon 316 of the ARHGEF9 protein (p.Ser316Ile). The serine residue is highly conserved and there is a large physicochemical difference between serine and isoleucine. This variant is not present in population databases (ExAC no frequency).

Ambry Genetics
Classification: Uncertain significance for Inborn genetic diseases. Last evaluated: 2017-01-04. Review status: criteria provided, single submitter. Criteria: Ambry Variant Classification Scheme 2023. Collection method: clinical testing. Allele origin: germline.
Comment: The p.S316I variant (also known as c.947G>T), located in coding exon 7 of the ARHGEF9 gene, results from a G to T substitution at nucleotide position 947. The serine at codon 316 is replaced by isoleucine, an amino acid with dissimilar properties. This amino acid position is highly conserved in available vertebrate species. In addition, this alteration is predicted to be deleterious by in silico analysis. Since supporting evidence is limited at this time, the clinical significance of this alteration remains unclear.